The following is an entry in ClinVar:

NM_003074.4(SMARCC1):c.2955A>C (p.Ala985=)

Gene: SMARCC1 (SWI/SNF related BAF chromatin remodeling complex subunit C1; minus strand). Cytogenetic location: 3p21.31.
Variant type: single nucleotide variant.
Coding change: c.2955A>C on transcript NM_003074.4 (MANE Select); coding-DNA position 2955, A replaced by C.
Protein change: p.Ala985=; no amino-acid change (alanine 985 retained).
Molecular consequence: synonymous variant.
Genome position (GRCh38, 1-based): chr3:47,610,154, T>G on the plus strand (A>C on the coding strand, the complement: SMARCC1 is on the minus strand). VCF-style: chr3-47610154-T-G. GRCh37 (hg19) VCF-style: chr3-47651644-T-G.
Identifiers: ClinVar variation 3905102 (VCV003905102.10).
Genomic context (GRCh38, chr3:47,610,154, plus strand): 5'-CTGGTGGTGCATCAGAGGGTAGGGAGGGGGCTGTTGATGAGGCATCATGCCAGGGTGCCC[T>G]GCTGCTCCAAGTGGGGCCAGGCCAGGTCCTCCTGAGTGCTGGTGTGCCTGTTGAGGGTTC-3'
Protein context (NP_003065.3, residues 975-995): GGPGLAPLGA[Ala985=]GHPGMMPHQQ

ClinVar aggregate classification (germline): Likely benign (1 of 4 stars; one submission).

gnomAD v4.1: 36 of 1,614,084 alleles (0.0022%); highest among the groups gnomAD compares: Admixed American, 0.057%; no homozygotes.

Submission:

CeGaT Center for Human Genetics Tuebingen
Classification: Likely benign. Last evaluated: 2025-05-01. Review status: criteria provided, single submitter. Criteria: CeGaT Center For Human Genetics Tuebingen Variant Classification Criteria Version 2. Collection method: clinical testing. Allele origin: germline. Affected: yes. Observed: 1 variant allele.
Comment: SMARCC1: BP4, BP7